The following is an entry in ClinVar:

NM_000587.4(C7):c.659G>A (p.Arg220Gln)

Gene: C7 (complement C7; plus strand). Cytogenetic location: 5p13.1.
Variant type: single nucleotide variant.
Coding change: c.659G>A on transcript NM_000587.4 (MANE Select); coding-DNA position 659, G replaced by A.
Protein change: p.Arg220Gln; replaces arginine 220 with glutamine.
Molecular consequence: missense variant.
Genome position (GRCh38, 1-based): chr5:40,945,289, G>A. VCF-style: chr5-40945289-G-A. GRCh37 (hg19) VCF-style: chr5-40945391-G-A.
Other names: short protein forms R220Q.
Identifiers: ClinVar variation 1040255 (VCV001040255.9), dbSNP rs369349760, ClinGen allele CA3249715.

ClinVar aggregate classification (germline): Uncertain significance. Review status: criteria provided, multiple submitters, no conflicts (2 of 4 stars). 5 submissions from 5 submitters: Uncertain significance (5). Last evaluated 2024-08-13.

Conditions:
Complement component 7 deficiency (C7D). Also called: C7 DEFICIENCY. Identifiers: MedGen C1864694, MONDO:0012412, OMIM 610102.

Allele frequency attached by ClinVar (database versions not stated): gnomAD exomes 0.00011 and 0.00014; ExAC 0.00017; gnomAD 0.00017; TOPMed 0.00023.
gnomAD v4.1: 207 of 1,607,242 alleles (0.013%); highest among the groups gnomAD compares: Middle Eastern, 0.18%; 1 homozygote.

Submissions (5):

Blueprint Genetics
Classification: Uncertain significance. Last evaluated: 2024-08-13. Review status: criteria provided, single submitter. Criteria: ACMG Guidelines, 2015. Collection method: clinical testing. Allele origin: germline.

Labcorp Genetics (formerly Invitae), Labcorp
Classification: Uncertain significance. Last evaluated: 2022-10-05. Review status: criteria provided, single submitter. Criteria: Invitae Variant Classification Sherloc (09022015). Collection method: clinical testing. Allele origin: germline.
Comment: This sequence change replaces arginine, which is basic and polar, with glutamine, which is neutral and polar, at codon 220 of the C7 protein (p.Arg220Gln). This variant is present in population databases (rs369349760, gnomAD 0.06%). This missense change has been observed in individual(s) with clinical features of complement C7 deficiency (PMID: 9856499). This variant is also known as R198Q. ClinVar contains an entry for this variant (Variation ID: 1040255). Advanced modeling of protein sequence and biophysical properties (such as structural, functional, and spatial information, amino acid conservation, physicochemical variation, residue mobility, and thermodynamic stability) performed at Invitae indicates that this missense variant is not expected to disrupt C7 protein function. In summary, the available evidence is currently insufficient to determine the role of this variant in disease. Therefore, it has been classified as a Variant of Uncertain Significance.

Fulgent Genetics
Classification: Uncertain significance for Complement component 7 deficiency. Last evaluated: 2021-10-27. Review status: criteria provided, single submitter. Criteria: ACMG Guidelines, 2015. Collection method: clinical testing. Allele origin: unknown.

Center for Genomics, Ann and Robert H. Lurie Children's Hospital of Chicago
Classification: Uncertain significance for Complement component 7 deficiency. Last evaluated: 2021-07-16. Review status: criteria provided, single submitter. Criteria: ACMG Guidelines, 2015. Collection method: clinical testing. Allele origin: germline.
Comment: C7 NM_000587.3 exon 7 p.Arg220Gln (c.659G>A): This variant has been reported in the literature in 1 individual with C7 deficiency (published as p.Arg198Gln; Fernie 1998 PMID:9856499). This variant is present in 0.03% (5/15252) of Latino alleles in the Genome Aggregation Database. This variant is present in ClinVar (Variation ID:1040255). This variant amino acid Glutamine (Gln) is present in several species including multiple mammals and is not well conserved among evolutionarily distant species; this suggests that this variant may not impact the protein. Additional computational prediction tools do not suggest an impact. In summary, data on this variant is insufficient for disease classification. Therefore, the clinical significance of this variant is uncertain.

Juno Genomics, Hangzhou Juno Genomics, Inc
Classification: Uncertain significance for Complement component 7 deficiency. Review status: criteria provided, single submitter. Criteria: ACMG Guidelines, 2015. Collection method: clinical testing. Allele origin: germline.
Comment: Absent from controls (or at extremely low frequency if recessive) in Genome Aggregation Database.;For recessive disorders, detected in trans with a pathogenic variant.;Patient's phenotype or family history is highly specific for a disease with a single genetic etiology.

Literature cited by the submitters: PubMed 9856499 (cited by Labcorp Genetics (formerly Invitae), Labcorp).